The following is an entry in ClinVar:

ClinVar aggregate classification (germline): Pathogenic (1 of 4 stars; one submission).

Allele frequency attached by ClinVar (database versions not stated): TOPMed 0.00001; gnomAD exomes below 0.00001.
gnomAD v4.1: 1 of 1,423,048 alleles (0.00007%); highest among the groups gnomAD compares: South Asian, 0.0014%; no homozygotes.

Submission:

Labcorp Genetics (formerly Invitae), Labcorp
Classification: Pathogenic. Last evaluated: 2022-03-10. Review status: criteria provided, single submitter. Criteria: Invitae Variant Classification Sherloc (09022015). Collection method: clinical testing. Allele origin: germline.
Comment: This sequence change affects a donor splice site in intron 9 of the TYMP gene. While this variant is not anticipated to result in nonsense mediated decay, it likely alters RNA splicing and results in a disrupted protein product. This variant is not present in population databases (gnomAD no frequency). This variant has not been reported in the literature in individuals affected with TYMP-related conditions. Variants that disrupt the consensus splice site are a relatively common cause of aberrant splicing (PMID: 17576681, 9536098). Algorithms developed to predict the effect of sequence changes on RNA splicing suggest that this variant may disrupt the consensus splice site. This variant disrupts a region of the TYMP protein in which other variant(s) (p.Ser471*) have been determined to be pathogenic (PMID: 17437622). This suggests that this is a clinically significant region of the protein, and that variants that disrupt it are likely to be disease-causing. For these reasons, this variant has been classified as Pathogenic.

Literature cited by the submitters: PubMed 17576681; PubMed 9536098; PubMed 17437622.

NM_001953.5(TYMP):c.1300+2T>C

Genes: SCO2 (synthesis of cytochrome C oxidase 2; minus strand), TYMP (thymidine phosphorylase; minus strand), LOC130067862 (ATAC-STARR-seq lymphoblastoid silent region 13986; plus strand). Cytogenetic location: 22q13.33.
Variant type: single nucleotide variant.
Coding change: c.1300+2T>C on transcript NM_001953.5 (MANE Select); the canonical splice donor site of the intron after coding-DNA position 1300, T replaced by C.
Molecular consequence: splice donor variant. On other transcripts: intron variant (1).
Genome position (GRCh38, 1-based): chr22:50,525,999, A>G on the plus strand (T>C on the coding strand, the complement: TYMP is on the minus strand). VCF-style: chr22-50525999-A-G. GRCh37 (hg19) VCF-style: chr22-50964428-A-G.
Other names: c.-14+247T>C (NM_001169109.2); c.-14+2T>C (NM_001169110.1); c.1315+2T>C (NM_001257989.1); c.1300+2T>C (NM_001257988.1, NM_001113755.3, NM_001113756.3).
Identifiers: ClinVar variation 1973143 (VCV001973143.5), dbSNP rs1064792879, ClinGen allele CA412196593.